The following is an entry in ClinVar:

NM_000430.4(PAFAH1B1):c.841T>G (p.Cys281Gly)

Gene: PAFAH1B1 (platelet activating factor acetylhydrolase 1b regulatory subunit 1; plus strand). Cytogenetic location: 17p13.3.
Variant type: single nucleotide variant.
Coding change: c.841T>G on transcript NM_000430.4 (MANE Select); coding-DNA position 841, T replaced by G.
Protein change: p.Cys281Gly; replaces cysteine 281 with glycine.
Molecular consequence: missense variant.
Genome position (GRCh38, 1-based): chr17:2,674,229, T>G. VCF-style: chr17-2674229-T-G. GRCh37 (hg19) VCF-style: chr17-2577523-T-G.
Other names: short protein forms C281G.
Identifiers: ClinVar variation 1507146 (VCV001507146.8), dbSNP rs587784288, ClinGen allele CA397641979.

ClinVar aggregate classification (germline): Uncertain significance (1 of 4 stars; one submission).

Submission:

Labcorp Genetics (formerly Invitae), Labcorp
Classification: Uncertain significance. Last evaluated: 2024-02-24. Review status: criteria provided, single submitter. Criteria: Invitae Variant Classification Sherloc (09022015). Collection method: clinical testing. Allele origin: germline.
Comment: This sequence change replaces cysteine, which is neutral and slightly polar, with glycine, which is neutral and non-polar, at codon 281 of the PAFAH1B1 protein (p.Cys281Gly). This variant is not present in population databases (gnomAD no frequency). This variant has not been reported in the literature in individuals affected with PAFAH1B1-related conditions. ClinVar contains an entry for this variant (Variation ID: 1507146). An algorithm developed to predict the effect of missense changes on protein structure and function (PolyPhen-2) suggests that this variant is likely to be disruptive. In summary, the available evidence is currently insufficient to determine the role of this variant in disease. Therefore, it has been classified as a Variant of Uncertain Significance.